The following is an entry in ClinVar:

NM_004360.5(CDH1):c.1784C>G (p.Pro595Arg)

Gene: CDH1 (cadherin 1; plus strand). Cytogenetic location: 16q22.1.
Variant type: single nucleotide variant.
Coding change: c.1784C>G on transcript NM_004360.5 (MANE Select); coding-DNA position 1784, C replaced by G.
Protein change: p.Pro595Arg; replaces proline 595 with arginine.
Molecular consequence: missense variant. On other transcripts: 5 prime UTR variant (1).
Genome position (GRCh38, 1-based): chr16:68,822,073, C>G. VCF-style: chr16-68822073-C-G. GRCh37 (hg19) VCF-style: chr16-68855976-C-G.
Other names: c.1601C>G, p.Pro534Arg (NM_001317184.2); c.236C>G, p.Pro79Arg (NM_001317185.2); c.-182C>G (NM_001317186.2); short protein forms P595R, P534R, P79R.
Identifiers: ClinVar variation 491514 (VCV000491514.22), dbSNP rs1555516843, ClinGen allele CA396466639.

ClinVar aggregate classification (germline): Uncertain significance. Review status: criteria provided, multiple submitters, no conflicts (2 of 4 stars). 5 submissions from 5 submitters: Uncertain significance (5). Last evaluated 2026-01-27.

Conditions:
Hereditary cancer-predisposing syndrome. Also called: Tumor predisposition; Neoplastic Syndromes, Hereditary; Hereditary Cancer Syndrome; Hereditary neoplastic syndrome. Identifiers: Orphanet 140162, MedGen C0027672, MeSH D009386, MONDO:0015356.
Hereditary diffuse gastric adenocarcinoma (HDGC). Also called: DIFFUSE GASTRIC AND LOBULAR BREAST CANCER SYNDROME. Identifiers: Orphanet 26106, MedGen C1708349, MONDO:0007648, OMIM 137215.
Familial cancer of breast. Also called: BREAST CANCER, FAMILIAL; hereditary breast carcinoma; Hereditary breast cancer. Identifiers: Orphanet 227535, MedGen C0346153, MONDO:0016419, OMIM 114480. Disease mechanism: loss of function.

Submissions (5):

Labcorp Genetics (formerly Invitae), Labcorp
Classification: Uncertain significance for Hereditary diffuse gastric adenocarcinoma. Last evaluated: 2026-01-27. Review status: criteria provided, single submitter. Criteria: Invitae Variant Classification Sherloc (09022015). Collection method: clinical testing. Allele origin: germline.
Comment: This sequence change replaces proline, which is neutral and non-polar, with arginine, which is basic and polar, at codon 595 of the CDH1 protein (p.Pro595Arg). This variant is not present in population databases (gnomAD no frequency). This variant has not been reported in the literature in individuals affected with CDH1-related conditions. ClinVar contains an entry for this variant (Variation ID: 491514). An algorithm developed to predict the effect of missense changes on protein structure and function (PolyPhen-2) suggests that this variant is likely to be disruptive. In summary, the available evidence is currently insufficient to determine the role of this variant in disease. Therefore, it has been classified as a Variant of Uncertain Significance.

Baylor Genetics
Classification: Uncertain significance for Familial cancer of breast. Last evaluated: 2024-01-18. Review status: criteria provided, single submitter. Criteria: ACMG Guidelines, 2015. Collection method: clinical testing. Allele origin: unknown.

Ambry Genetics
Classification: Uncertain significance for Hereditary cancer-predisposing syndrome. Last evaluated: 2024-01-02. Review status: criteria provided, single submitter. Criteria: Ambry Variant Classification Scheme 2023. Collection method: clinical testing. Allele origin: germline.
Comment: The p.P595R variant (also known as c.1784C>G), located in coding exon 12 of the CDH1 gene, results from a C to G substitution at nucleotide position 1784. The proline at codon 595 is replaced by arginine, an amino acid with dissimilar properties. This amino acid position is well conserved in available vertebrate species. In addition, the in silico prediction for this alteration is inconclusive. Since supporting evidence is limited at this time, the clinical significance of this alteration remains unclear.

Color Diagnostics, LLC DBA Color Health
Classification: Uncertain significance for Hereditary cancer-predisposing syndrome. Last evaluated: 2023-12-05. Review status: criteria provided, single submitter. Criteria: ACMG Guidelines, 2015. Collection method: clinical testing. Allele origin: germline.
Comment: This missense variant replaces proline with arginine at codon 595 of the CDH1 protein. Splice site prediction tools suggest that this variant may not impact RNA splicing. To our knowledge, functional studies have not been reported for this variant. This variant has not been reported in individuals affected with hereditary cancer in the literature. This variant has not been identified in the general population by the Genome Aggregation Database (gnomAD). The available evidence is insufficient to determine the role of this variant in disease conclusively. Therefore, this variant is classified as a Variant of Uncertain Significance.

Mendelics
Classification: Uncertain significance for Hereditary diffuse gastric cancer. Last evaluated: 2018-07-02. Review status: criteria provided, single submitter. Criteria: Mendelics Assertion Criteria 2017. Collection method: clinical testing. Allele origin: unknown.